The following is an entry in ClinVar:

ClinVar aggregate classification (germline): Uncertain significance. Review status: criteria provided, multiple submitters, no conflicts (2 of 4 stars). 2 submissions from 2 submitters: Uncertain significance (2). Last evaluated 2024-06-23.

Conditions:
Leber congenital amaurosis 13 (LCA13). Identifiers: MedGen C2675186, MONDO:0012990, OMIM 612712.

Allele frequency attached by ClinVar (database versions not stated): gnomAD exomes below 0.00001.
gnomAD v4.1: 1 of 1,611,882 alleles (0.000062%); highest among the groups gnomAD compares: African/African-American, 0.0013%; no homozygotes.

Submissions (2):

Labcorp Genetics (formerly Invitae), Labcorp
Classification: Uncertain significance for Leber congenital amaurosis 13. Last evaluated: 2024-06-23. Review status: criteria provided, single submitter. Criteria: Invitae Variant Classification Sherloc (09022015). Collection method: clinical testing. Allele origin: germline.
Comment: This sequence change replaces glycine, which is neutral and non-polar, with arginine, which is basic and polar, at codon 231 of the RDH12 protein (p.Gly231Arg). This variant is not present in population databases (gnomAD no frequency). This variant has not been reported in the literature in individuals affected with RDH12-related conditions. ClinVar contains an entry for this variant (Variation ID: 1045693). Advanced modeling of protein sequence and biophysical properties (such as structural, functional, and spatial information, amino acid conservation, physicochemical variation, residue mobility, and thermodynamic stability) performed at Invitae indicates that this missense variant is expected to disrupt RDH12 protein function with a positive predictive value of 80%. In summary, the available evidence is currently insufficient to determine the role of this variant in disease. Therefore, it has been classified as a Variant of Uncertain Significance.

Blueprint Genetics
Classification: Uncertain significance. Last evaluated: 2021-10-23. Review status: criteria provided, single submitter. Criteria: ACMG Guidelines, 2015. Collection method: clinical testing. Allele origin: germline.

NM_152443.3(RDH12):c.691G>C (p.Gly231Arg)

Genes: GPHN (gephyrin; plus strand), RDH12 (retinol dehydrogenase 12; plus strand), ZFYVE26 (zinc finger FYVE-type containing 26; minus strand). Cytogenetic location: 14q24.1.
Variant type: single nucleotide variant.
Coding change: c.691G>C on transcript NM_152443.3 (MANE Select); coding-DNA position 691, G replaced by C.
Protein change: p.Gly231Arg; replaces glycine 231 with arginine.
Molecular consequence: missense variant.
Genome position (GRCh38, 1-based): chr14:67,729,223, G>C. VCF-style: chr14-67729223-G-C. GRCh37 (hg19) VCF-style: chr14-68195940-G-C.
Other names: short protein forms G231R.
Identifiers: ClinVar variation 1045693 (VCV001045693.9), dbSNP rs2038232614, ClinGen allele CA390152917.
Genomic context (GRCh38, chr14:67,729,223, plus strand): 5'-TGATCTAATTGTGCCCTCTTTGTCCCAGGCACCGGGGTCACCACCTACGCAGTGCACCCA[G>C]GCGTCGTCCGCTCTGAGCTGGTCCGGCACTCCTCCCTGCTCTGCCTGCTCTGGCGGCTCT-3'
Protein context (NP_689656.2, residues 221-241): TGVTTYAVHP[Gly231Arg]VVRSELVRHS